The following is an entry in ClinVar:

NM_001376013.1(EPB41):c.871C>T (p.Pro291Ser)

Gene: EPB41 (erythrocyte membrane protein band 4.1; plus strand). Cytogenetic location: 1p35.3.
Variant type: single nucleotide variant.
Coding change: c.871C>T on transcript NM_001376013.1 (MANE Select); coding-DNA position 871, C replaced by T.
Protein change: p.Pro291Ser; replaces proline 291 with serine.
Molecular consequence: missense variant.
Genome position (GRCh38, 1-based): chr1:29,015,733, C>T. VCF-style: chr1-29015733-C-T. GRCh37 (hg19) VCF-style: chr1-29342245-C-T.
Other names: p.Pro291Ser; c.871C>T (NM_001166005.1); c.871C>T, p.Pro291Ser (NM_001166005.2, NM_001166006.2, NM_001376014.1 and 7 more transcripts); c.244C>T, p.Pro82Ser (NM_001166007.2, NM_001376022.1, NM_001376023.1 and 7 more transcripts); c.766C>T, p.Pro256Ser (NM_203343.3); short protein forms P82S, P256S, P291S.
Identifiers: ClinVar variation 618089 (VCV000618089.55), dbSNP rs142874233, ClinGen allele CA724353.
Genomic context (GRCh38, chr1:29,015,733, plus strand): 5'-TTTGTGTTTATTTTTATAGGTGTCCCTTGGAATTTTACATTTAATGTAAAGTTTTATCCA[C>T]CTGACCCAGCACAGTTAACAGAAGACATAACAAGGTAAATAAGTAATAGTTAAATATGTA-3'
Protein context (NP_001362942.1, residues 281-301): NFTFNVKFYP[Pro291Ser]DPAQLTEDIT

ClinVar aggregate classification (germline): Benign/Likely benign. Review status: criteria provided, multiple submitters, no conflicts (2 of 4 stars). 7 submissions from 7 submitters: Benign (4); Likely benign (1). 2 of the submissions do not count toward it. Last evaluated 2026-01-01.

Conditions:
Elliptocytosis 1 (EL1). Also called: PROTEIN 4.1 OF ERYTHROCYTE MEMBRANE, DEFECT OF; 4.1- TRAIT; 4.1-MINUS TRAIT; ELLIPTOCYTOSIS, RHESUS-LINKED TYPE. Identifiers: Orphanet 288, MedGen C2678497, MONDO:0012731, OMIM 611804.

Allele frequency attached by ClinVar (database versions not stated): 1000 Genomes Project 30x 0.00172; 1000 Genomes Project 0.00220; gnomAD 0.00467 and 0.00482; ESP Exome Variant Server 0.00501; TOPMed 0.00517; gnomAD exomes 0.00564 and 0.00723; ExAC 0.00704.

Submissions (7):

CeGaT Center for Human Genetics Tuebingen
Classification: Likely benign. Last evaluated: 2026-01-01. Review status: criteria provided, single submitter. Criteria: CeGaT Center For Human Genetics Tuebingen Variant Classification Criteria Version 2. Collection method: clinical testing. Allele origin: germline. Affected: yes. Observed: 10 variant alleles.
Comment: EPB41: BS2

Labcorp Genetics (formerly Invitae), Labcorp
Classification: Benign. Last evaluated: 2025-12-26. Review status: criteria provided, single submitter. Criteria: Invitae Variant Classification Sherloc (09022015). Collection method: clinical testing. Allele origin: germline.

ARUP Laboratories, Molecular Genetics and Genomics, ARUP Laboratories
Classification: Benign for Elliptocytosis 1. Last evaluated: 2025-06-05. Review status: criteria provided, single submitter. Criteria: ARUP Molecular Germline Variant Investigation Process 2024. Collection method: clinical testing. Allele origin: germline.

Mayo Clinic Laboratories, Mayo Clinic
Classification: Benign. Last evaluated: 2023-08-08. Review status: criteria provided, single submitter. Criteria: ACMG Guidelines, 2015. Collection method: clinical testing. Allele origin: germline. Observed: 26 variant alleles.

Breakthrough Genomics
Classification: Benign. Review status: criteria provided, single submitter. Criteria: ACMG Guidelines, 2015. Collection method: not provided. Allele origin: germline. Inheritance: Autosomal dominant inheritance. Affected: yes.

Clinical Genetics DNA and cytogenetics Diagnostics Lab, Erasmus MC, Erasmus Medical Center
Classification: Benign. Review status: no assertion criteria provided. Collection method: clinical testing. Allele origin: germline. Affected: yes. Study: VKGL Data-share Consensus. Not counted in ClinVar's aggregate classification.

Genome Diagnostics Laboratory, University Medical Center Utrecht
Classification: Benign. Review status: no assertion criteria provided. Collection method: clinical testing. Allele origin: germline. Affected: yes. Study: VKGL Data-share Consensus. Not counted in ClinVar's aggregate classification.